The following is an entry in ClinVar:

ClinVar aggregate classification (germline): Conflicting classifications of pathogenicity. Review status: criteria provided, conflicting classifications (1 of 4 stars). 7 submissions from 7 submitters: Uncertain significance (4); Likely benign (3). Last evaluated 2026-01-20.

Conditions:
Combined oxidative phosphorylation defect type 20. Also called: Combined oxidative phosphorylation deficiency 20. Identifiers: Orphanet 420728, MedGen C4014660, MONDO:0014397, OMIM 615917.

Allele frequency attached by ClinVar (database versions not stated): 1000 Genomes Project 30x 0.00016; ESP Exome Variant Server 0.00036; gnomAD 0.00038 and 0.00041; 1000 Genomes Project 0.00040; TOPMed 0.00040; gnomAD exomes 0.00058; ExAC 0.00089.
gnomAD v4.1: 843 of 1,609,056 alleles (0.052%); highest among the groups gnomAD compares: Middle Eastern, 0.25%; no homozygotes.

Submissions (7):

Labcorp Genetics (formerly Invitae), Labcorp
Classification: Likely benign. Last evaluated: 2026-01-20. Review status: criteria provided, single submitter. Criteria: Invitae Variant Classification Sherloc (09022015). Collection method: clinical testing. Allele origin: germline.

GeneDx
Classification: Uncertain significance. Last evaluated: 2025-11-17. Review status: criteria provided, single submitter. Criteria: GeneDx Variant Classification Process June 2021. Collection method: clinical testing. Allele origin: germline. Affected: yes.
Comment: Reported in an individual with suspicion of a mitochondrial disorder who had another variant in VARS2, phase unknown (PMID: 38465286); In silico analysis supports that this missense variant has a deleterious effect on protein structure/function; This variant is associated with the following publications: (PMID: 25668207, 30925032, 38465286)

Blueprint Genetics
Classification: Likely benign. Last evaluated: 2024-11-18. Review status: criteria provided, single submitter. Criteria: ACMG Guidelines, 2015. Collection method: clinical testing. Allele origin: germline.

CeGaT Center for Human Genetics Tuebingen
Classification: Uncertain significance. Last evaluated: 2024-03-01. Review status: criteria provided, single submitter. Criteria: CeGaT Center For Human Genetics Tuebingen Variant Classification Criteria Version 2. Collection method: clinical testing. Allele origin: germline. Affected: yes. Observed: 2 variant alleles.
Comment: VARS2: PM2, BP4

Mayo Clinic Laboratories, Mayo Clinic
Classification: Uncertain significance. Last evaluated: 2022-08-23. Review status: criteria provided, single submitter. Criteria: ACMG Guidelines, 2015. Collection method: clinical testing. Allele origin: germline. Observed: 6 variant alleles.
Comment: BP4_moderate

Dubai Health Genomic Medicine Center, Dubai Health
Classification: Likely benign. Last evaluated: 2020-03-23. Review status: criteria provided, single submitter. Criteria: ACMG Guidelines, 2015. Collection method: clinical testing. Allele origin: germline. Affected: yes.

Knight Diagnostic Laboratories, Oregon Health and Sciences University
Classification: Uncertain significance for Combined oxidative phosphorylation deficiency 20. Last evaluated: 2019-02-22. Review status: criteria provided, single submitter. Criteria: ACMG Guidelines, 2015. Collection method: clinical testing. Allele origin: germline. Observed: 1 variant allele.

NM_020442.6(VARS2):c.1691C>T (p.Ala564Val)

Gene: VARS2 (valyl-tRNA synthetase 2, mitochondrial; plus strand). Cytogenetic location: 6p21.33.
Variant type: single nucleotide variant.
Coding change: c.1691C>T on transcript NM_020442.6 (MANE Select); coding-DNA position 1691, C replaced by T.
Protein change: p.Ala564Val; replaces alanine 564 with valine.
Molecular consequence: missense variant.
Genome position (GRCh38, 1-based): chr6:30,921,647, C>T. VCF-style: chr6-30921647-C-T. GRCh37 (hg19) VCF-style: chr6-30889424-C-T.
Other names: p.Ala594Val; c.1271C>T, p.Ala424Val (NM_001167733.3); c.1781C>T, p.Ala594Val (NM_001167734.2); short protein forms A424V, A564V, A594V.
Identifiers: ClinVar variation 809891 (VCV000809891.55), dbSNP rs143408155, ClinGen allele CA3706001.